The following is an entry in ClinVar:

NM_005529.7(HSPG2):c.10678G>A (p.Ala3560Thr)

Gene: HSPG2 (heparan sulfate proteoglycan 2; minus strand). Cytogenetic location: 1p36.12.
Variant type: single nucleotide variant.
Coding change: c.10678G>A on transcript NM_005529.7 (MANE Select); coding-DNA position 10678, G replaced by A.
Protein change: p.Ala3560Thr; replaces alanine 3560 with threonine.
Molecular consequence: missense variant.
Genome position (GRCh38, 1-based): chr1:21,834,721, C>T on the plus strand (G>A on the coding strand, the complement: HSPG2 is on the minus strand). VCF-style: chr1-21834721-C-T. GRCh37 (hg19) VCF-style: chr1-22161214-C-T.
Other names: c.10681G>A, p.Ala3561Thr (NM_001291860.2); c.10678G>A (NM_005529.5); short protein forms A3560T, A3561T.
Identifiers: ClinVar variation 1020075 (VCV001020075.10), dbSNP rs749882511, ClinGen allele CA670051.

ClinVar aggregate classification (germline): Uncertain significance. Review status: criteria provided, multiple submitters, no conflicts (2 of 4 stars). 4 submissions from 4 submitters: Uncertain significance (4). Last evaluated 2023-11-18.

Conditions:
Inborn genetic diseases. Identifiers: MedGen C0950123, MeSH D030342.

Allele frequency attached by ClinVar (database versions not stated): ExAC 0.00005; gnomAD exomes 0.00005 and 0.00014; gnomAD 0.00009; TOPMed 0.00010.
gnomAD v4.1: 211 of 1,614,086 alleles (0.013%); highest among the groups gnomAD compares: Non-Finnish European, 0.016%; no homozygotes.

Submissions (4):

Ambry Genetics
Classification: Uncertain significance for Inborn genetic diseases. Last evaluated: 2023-11-18. Review status: criteria provided, single submitter. Criteria: Ambry Variant Classification Scheme 2023. Collection method: clinical testing. Allele origin: germline.

Labcorp Genetics (formerly Invitae), Labcorp
Classification: Uncertain significance. Last evaluated: 2022-08-16. Review status: criteria provided, single submitter. Criteria: Invitae Variant Classification Sherloc (09022015). Collection method: clinical testing. Allele origin: germline.
Comment: This sequence change replaces alanine, which is neutral and non-polar, with threonine, which is neutral and polar, at codon 3560 of the HSPG2 protein (p.Ala3560Thr). This variant is present in population databases (rs749882511, gnomAD 0.008%). This variant has not been reported in the literature in individuals affected with HSPG2-related conditions. ClinVar contains an entry for this variant (Variation ID: 1020075). Algorithms developed to predict the effect of missense changes on protein structure and function output the following: SIFT: "Tolerated"; PolyPhen-2: "Benign"; Align-GVGD: "Class C0". The threonine amino acid residue is found in multiple mammalian species, which suggests that this missense change does not adversely affect protein function. In summary, the available evidence is currently insufficient to determine the role of this variant in disease. Therefore, it has been classified as a Variant of Uncertain Significance.

Revvity Omics, Revvity
Classification: Uncertain significance. Last evaluated: 2019-05-16. Review status: criteria provided, single submitter. Criteria: ACMG Guidelines, 2015. Collection method: clinical testing. Allele origin: germline.

Breakthrough Genomics
Classification: Uncertain significance. Review status: criteria provided, single submitter. Criteria: ACMG Guidelines, 2015. Collection method: not provided. Allele origin: germline. Inheritance: Autosomal recessive inheritance. Affected: yes.